The following is an entry in ClinVar:

NM_006612.6(KIF1C):c.430-10T>C

Gene: KIF1C (kinesin family member 1C; plus strand). Cytogenetic location: 17p13.2.
Variant type: single nucleotide variant.
Coding change: c.430-10T>C on transcript NM_006612.6 (MANE Select); 10 bases into the intron before coding-DNA position 430, T replaced by C.
Molecular consequence: intron variant.
Genome position (GRCh38, 1-based): chr17:5,002,454, T>C. VCF-style: chr17-5002454-T-C. GRCh37 (hg19) VCF-style: chr17-4905749-T-C.
Identifiers: ClinVar variation 390509 (VCV000390509.1), dbSNP rs938552454, ClinGen allele CA16607701.

ClinVar aggregate classification (germline): Likely benign (1 of 4 stars; one submission).

Allele frequency attached by ClinVar (database versions not stated): gnomAD exomes below 0.00001; TOPMed 0.00001; gnomAD 0.00002.
gnomAD v4.1: 4 of 1,565,542 alleles (0.00026%); highest among the groups gnomAD compares: Non-Finnish European, 0.00035%; no homozygotes.

Submission:

GeneDx
Classification: Likely benign. Last evaluated: 2016-11-01. Review status: criteria provided, single submitter. Criteria: GeneDx Variant Classification (06012015). Collection method: clinical testing. Allele origin: germline. Affected: yes.
Comment: This variant is considered likely benign or benign based on one or more of the following criteria: it is a conservative change, it occurs at a poorly conserved position in the protein, it is predicted to be benign by multiple in silico algorithms, and/or has population frequency not consistent with disease.